The following is an entry in ClinVar:

NM_020699.4(GATAD2B):c.70C>T (p.Arg24Ter)

Gene: GATAD2B (GATA zinc finger domain containing 2B; minus strand). Cytogenetic location: 1q21.3.
Variant type: single nucleotide variant.
Coding change: c.70C>T on transcript NM_020699.4 (MANE Select); coding-DNA position 70, C replaced by T.
Protein change: p.Arg24Ter; replaces arginine 24 with a stop codon.
Molecular consequence: nonsense.
Genome position (GRCh38, 1-based): chr1:153,828,278, G>A on the plus strand (C>T on the coding strand, the complement: GATAD2B is on the minus strand). VCF-style: chr1-153828278-G-A. GRCh37 (hg19) VCF-style: chr1-153800754-G-A.
Other names: short protein forms R24*.
Identifiers: ClinVar variation 2300353 (VCV002300353.2), dbSNP rs1674952089, ClinGen allele CA342541861.

ClinVar aggregate classification (germline): Likely pathogenic (1 of 4 stars; one submission).

Conditions:
Inborn genetic diseases. Identifiers: MedGen C0950123, MeSH D030342.

Submission:

Ambry Genetics
Classification: Likely pathogenic for Inborn genetic diseases. Last evaluated: 2022-08-16. Review status: criteria provided, single submitter. Criteria: Ambry Variant Classification Scheme 2023. Collection method: clinical testing. Allele origin: germline.
Comment: The c.70C>T (p.R24*) alteration, located in exon 2 (coding exon 1) of the GATAD2B gene, consists of a C to T substitution at nucleotide position 70. This changes the amino acid from an arginine (R) to a stop codon at amino acid position 24. The predicted stop codon occurs in the 5' end of the GATAD2B gene. Premature termination codons in the 5&rsquo; end of a gene have been reported to escape nonsense-mediated mRNA decay and/or lead to re-initiation (Rivas, 2015; Lindeboom, 2016; Rhee, 2017). Direct evidence for this alteration is unavailable; however, premature termination codons are typically deleterious in nature. In addition, other 5' truncations in the same region have been reported as disease-causing (Deciphering Developmental Disorders, 2017; Luo, 2017; Vera, 2020). This variant was not reported in population-based cohorts in the Genome Aggregation Database (gnomAD). Based on the available evidence, this alteration is classified as likely pathogenic.

Literature cited by the submitters: PubMed 25954003; PubMed 27618451; PubMed 28077840; PubMed 28135719; PubMed 28490743; PubMed 32688057.